The following is an entry in ClinVar:

ClinVar aggregate classification (germline): Pathogenic. Review status: criteria provided, multiple submitters, no conflicts (2 of 4 stars). 4 submissions from 4 submitters: Pathogenic (4). Last evaluated 2025-08-14.

Conditions:
Hereditary cancer-predisposing syndrome. Also called: Tumor predisposition; Neoplastic Syndromes, Hereditary; Hereditary neoplastic syndrome; Hereditary Cancer Syndrome. Identifiers: Orphanet 140162, MedGen C0027672, MeSH D009386, MONDO:0015356.
Familial melanoma. Also called: Hereditary melanoma; Hereditary cutaneous melanoma. Identifiers: Orphanet 618, MedGen C1512419, MONDO:0018961.
Melanoma-pancreatic cancer syndrome. Identifiers: Orphanet 404560, MedGen C1838547, MONDO:0011713, OMIM 606719. Disease mechanism: loss of function.

Allele frequency attached by ClinVar (database versions not stated): gnomAD exomes below 0.00001; TOPMed below 0.00001; ExAC 0.00001.

Submissions (4):

Myriad Genetics, Inc.
Classification: Pathogenic for Melanoma-pancreatic cancer syndrome. Last evaluated: 2025-08-14. Review status: criteria provided, single submitter. Criteria: Myriad Autosomal Dominant, Autosomal Recessive and X-Linked Classification Criteria (2023). Collection method: clinical testing. Allele origin: unknown.
Comment: This variant is considered pathogenic. This variant creates a frameshift predicted to result in premature protein truncation.

Labcorp Genetics (formerly Invitae), Labcorp
Classification: Pathogenic for Familial melanoma. Last evaluated: 2021-12-23. Review status: criteria provided, single submitter. Criteria: Invitae Variant Classification Sherloc (09022015). Collection method: clinical testing. Allele origin: germline.
Comment: This sequence change creates a premature translational stop signal (p.Tyr44*) in the CDKN2A (p16INK4a) gene. It is expected to result in an absent or disrupted protein product. Loss-of-function variants in CDKN2A (p16INK4a) are known to be pathogenic (PMID: 15146471, 16905682). This variant is not present in population databases (gnomAD no frequency). This premature translational stop signal has been observed in individual(s) with melanoma (PMID: 9699728, 16234564, 17276542, 29661971). ClinVar contains an entry for this variant (Variation ID: 182409). For these reasons, this variant has been classified as Pathogenic.

Ambry Genetics
Classification: Pathogenic for Hereditary cancer-predisposing syndrome. Last evaluated: 2019-02-04. Review status: criteria provided, single submitter. Criteria: Ambry Variant Classification Scheme 2023. Collection method: clinical testing. Allele origin: germline.
Comment: The c.131_132insAA pathogenic mutation (also known as p.Y44*), located in coding exon 1 of the CDKN2A gene, results from an insertion of two nucleotides at position 131. This changes the amino acid from a tyrosine to a stop codon within coding exon 1. This mutation (also designated as "tyr44stop") has been reported in multiple melanoma cohorts (MacKie RM et al. J. Invest. Dermatol. 1998 Aug;111(2):269-72; de Snoo FA et al. J. Am. Acad. Dermatol. 2007 May;56(5):748-52; Potjer TP et al. J. Med. Genet. 2018 Oct;55(10):661-668). In addition to the clinical data presented in the literature, this alteration is expected to result in loss of function by premature protein truncation or nonsense-mediated mRNA decay. As such, this alteration is interpreted as a disease-causing mutation.

GeneDx
Classification: Pathogenic for Neoplastic Syndromes, Hereditary. Last evaluated: 2014-09-10. Review status: criteria provided, single submitter. Criteria: GeneDx Variant Classification (06012015). Collection method: clinical testing. Allele origin: germline. Affected: yes.
Comment: The CDKN2A c.131_132insAA mutation has been reported previously in association with familial cutaneous malignant melanoma (Snoo et al., 2007). The insertion creates a premature Stop codon at position Tyrosine 44, denoted p.Tyr44Stop. This mutation is predicted to cause loss of normal protein function either through protein truncation or nonsense mediated mRNA decay. This variant has been observed to be inherited. The variant is found in CDKN2A panel(s).

Literature cited by the submitters: PubMed 15146471 (cited by Labcorp Genetics (formerly Invitae), Labcorp); PubMed 16905682 (cited by Labcorp Genetics (formerly Invitae), Labcorp); PubMed 9699728 (cited by Labcorp Genetics (formerly Invitae), Labcorp); PubMed 16234564 (cited by Labcorp Genetics (formerly Invitae), Labcorp); PubMed 17276542 (cited by Labcorp Genetics (formerly Invitae), Labcorp); PubMed 29661971 (cited by Labcorp Genetics (formerly Invitae), Labcorp and Ambry Genetics).

NM_000077.5(CDKN2A):c.131_132insAA (p.Tyr44Ter)

Gene: CDKN2A (cyclin dependent kinase inhibitor 2A; minus strand). Cytogenetic location: 9p21.3.
Variant type: Insertion.
Coding change: c.131_132insAA on transcript NM_000077.5; coding-DNA positions 131 to 132, AA inserted.
Protein change: p.Tyr44Ter; replaces tyrosine 44 with a stop codon.
Molecular consequence: frameshift variant, nonsense (on NM_000077.4). On other transcripts: intron variant (2).
Genome position: GRCh38 VCF-style: chr9-21974696-G-GTT. GRCh37 (hg19) VCF-style: chr9-21974695-G-GTT.
Other names: c.131_132insAA, p.Tyr44Ter (NM_000077.4, NM_001195132.2, NM_058197.5); c.130_131insAA, p.Tyr44Terfs (NM_000077.6); c.-3-3489_-3-3488insAA (NM_001363763.2); c.194-3489_194-3488insAA (NM_058195.4); short protein forms Y44*.
Identifiers: ClinVar variation 182409 (VCV000182409.11), dbSNP rs730881673, ClinGen allele CA299022.
Genomic context (GRCh38, chr9:21,974,696, plus strand): 5'-TCGCCCGCCATCCCCTGCTCCCGCTGCAGACCCTCTACCCACCTGGATCGGCCTCCGACC[G>GTT]TAACTATTCGGTGCGTTGGGCAGCGCCCCCGCCTCCAGCAGCGCCCGCACCTCCTCTACC-3'